The following is an entry in ClinVar:

ClinVar aggregate classification (germline): Uncertain significance (1 of 4 stars; one submission).

Conditions:
Oculofaciocardiodental syndrome (MCOPS2). Identifiers: Orphanet 2712, MedGen C1846265, MONDO:0010261, OMIM 300166.

Allele frequency attached by ClinVar (database versions not stated): gnomAD exomes below 0.00001.
gnomAD v4.1: 1 of 1,211,580 alleles (0.000083%); highest among the groups gnomAD compares: Admixed American, 0.0022%; no homozygotes.

Submission:

Labcorp Genetics (formerly Invitae), Labcorp
Classification: Uncertain significance for Oculofaciocardiodental syndrome. Last evaluated: 2022-08-15. Review status: criteria provided, single submitter. Criteria: Invitae Variant Classification Sherloc (09022015). Collection method: clinical testing. Allele origin: germline.
Comment: This sequence change replaces aspartic acid, which is acidic and polar, with histidine, which is basic and polar, at codon 807 of the BCOR protein (p.Asp807His). In summary, the available evidence is currently insufficient to determine the role of this variant in disease. Therefore, it has been classified as a Variant of Uncertain Significance. Algorithms developed to predict the effect of missense changes on protein structure and function (SIFT, PolyPhen-2, Align-GVGD) all suggest that this variant is likely to be disruptive. ClinVar contains an entry for this variant (Variation ID: 465156). This variant has not been reported in the literature in individuals affected with BCOR-related conditions. This variant is not present in population databases (gnomAD no frequency).

NM_001123385.2(BCOR):c.2419G>C (p.Asp807His)

Gene: BCOR (BCL6 corepressor; minus strand). Cytogenetic location: Xp11.4.
Variant type: single nucleotide variant.
Coding change: c.2419G>C on transcript NM_001123385.2 (MANE Select); coding-DNA position 2419, G replaced by C.
Protein change: p.Asp807His; replaces aspartic acid 807 with histidine.
Molecular consequence: missense variant.
Genome position (GRCh38, 1-based): chrX:40,072,927, C>G on the plus strand (G>C on the coding strand, the complement: BCOR is on the minus strand). VCF-style: chrX-40072927-C-G. GRCh37 (hg19) VCF-style: chrX-39932180-C-G.
Other names: c.2419G>C, p.Asp807His (NM_001123383.2, NM_001123384.2, NM_017745.6); short protein forms D807H.
Identifiers: ClinVar variation 465156 (VCV000465156.8), dbSNP rs1555918075, ClinGen allele CA412742878.